The following is an entry in ClinVar:

ClinVar aggregate classification (germline): Benign (1 of 4 stars; one submission).

Allele frequency attached by ClinVar (database versions not stated): gnomAD 0.02147 and 0.02295; 1000 Genomes Project 0.02376; 1000 Genomes Project 30x 0.02389; TOPMed 0.02517.

Submission:

GeneDx
Classification: Benign. Last evaluated: 2018-06-19. Review status: criteria provided, single submitter. Criteria: GeneDx Variant Classification (06012015). Collection method: clinical testing. Allele origin: germline. Affected: yes.
Comment: This variant is considered likely benign or benign based on one or more of the following criteria: it is a conservative change, it occurs at a poorly conserved position in the protein, it is predicted to be benign by multiple in silico algorithms, and/or has population frequency not consistent with disease.

NM_002693.3(POLG):c.2982-332T>G

Gene: POLG (DNA polymerase gamma, catalytic subunit; minus strand). Cytogenetic location: 15q26.1.
Variant type: single nucleotide variant.
Coding change: c.2982-332T>G on transcript NM_002693.3 (MANE Select); 332 bases into the intron before coding-DNA position 2982, T replaced by G.
Molecular consequence: intron variant.
Genome position (GRCh38, 1-based): chr15:89,319,682, A>C on the plus strand (T>G on the coding strand, the complement: POLG is on the minus strand). VCF-style: chr15-89319682-A-C. GRCh37 (hg19) VCF-style: chr15-89862913-A-C.
Other names: c.2982-332T>G (NM_001126131.2).
Identifiers: ClinVar variation 680970 (VCV000680970.1), dbSNP rs41549535, ClinGen allele CA274542589.